The following is an entry in ClinVar:

ClinVar aggregate classification (germline): Likely benign. Review status: criteria provided, multiple submitters, no conflicts (2 of 4 stars). 2 submissions from 2 submitters: Likely benign (2). Last evaluated 2025-12-14.

Conditions:
Autosomal recessive limb-girdle muscular dystrophy type 2J (LGMDR10). Also called: Limb-girdle muscular dystrophy, type 2J; MUSCULAR DYSTROPHY, LIMB-GIRDLE, AUTOSOMAL RECESSIVE 10. Identifiers: Orphanet 140922, MedGen C1837342, MONDO:0012127, OMIM 608807.
Dilated cardiomyopathy 1G (CMD1G). Identifiers: Orphanet 154, MedGen C1858763, MONDO:0011400, OMIM 604145.

Submissions (2):

Labcorp Genetics (formerly Invitae), Labcorp
Classification: Likely benign for Dilated cardiomyopathy 1G; Autosomal recessive limb-girdle muscular dystrophy type 2J. Last evaluated: 2025-12-14. Review status: criteria provided, single submitter. Criteria: Invitae Variant Classification Sherloc (09022015). Collection method: clinical testing. Allele origin: germline.

CeGaT Center for Human Genetics Tuebingen
Classification: Likely benign. Last evaluated: 2025-03-01. Review status: criteria provided, single submitter. Criteria: CeGaT Center For Human Genetics Tuebingen Variant Classification Criteria Version 2. Collection method: clinical testing. Allele origin: germline. Affected: yes. Observed: 1 variant allele.
Comment: TTN: PM2:Supporting, BP4, BP7

NM_001267550.2(TTN):c.36471A>T (p.Val12157=)

Gene: TTN (titin; minus strand). Cytogenetic location: 2q31.2.
Variant type: single nucleotide variant.
Coding change: c.36471A>T on transcript NM_001267550.2 (MANE Select); coding-DNA position 36471, A replaced by T.
Protein change: p.Val12157=; no amino-acid change (valine 12157 retained).
Molecular consequence: synonymous variant. On other transcripts: intron variant (5).
Genome position (GRCh38, 1-based): chr2:178,663,688, T>A on the plus strand (A>T on the coding strand, the complement: TTN is on the minus strand). VCF-style: chr2-178663688-T-A. GRCh37 (hg19) VCF-style: chr2-179528415-T-A.
Other names: c.13283-21371A>T (NM_003319.4); c.13859-21371A>T (NM_133437.4); c.13658-21371A>T (NM_133432.3); c.31484-633A>T (NM_133378.4); c.34265-633A>T (NM_001256850.1).
Identifiers: ClinVar variation 1104391 (VCV001104391.16), dbSNP rs2154258874, ClinGen allele CA430278669.